The following is an entry in ClinVar:

ClinVar aggregate classification (germline): Uncertain significance (1 of 4 stars; one submission).

Allele frequency attached by ClinVar (database versions not stated): gnomAD exomes 0.00002; TOPMed 0.00003; gnomAD 0.00005; ExAC 0.00006; ESP Exome Variant Server 0.00008.
gnomAD v4.1: 44 of 1,614,064 alleles (0.0027%); highest among the groups gnomAD compares: Admixed American, 0.017%; no homozygotes.

Submission:

Labcorp Genetics (formerly Invitae), Labcorp
Classification: Uncertain significance. Last evaluated: 2022-08-22. Review status: criteria provided, single submitter. Criteria: Invitae Variant Classification Sherloc (09022015). Collection method: clinical testing. Allele origin: germline.
Comment: This sequence change replaces arginine, which is basic and polar, with histidine, which is basic and polar, at codon 825 of the TOP3A protein (p.Arg825His). This variant is present in population databases (rs368431834, gnomAD 0.01%). This variant has not been reported in the literature in individuals affected with TOP3A-related conditions. Algorithms developed to predict the effect of missense changes on protein structure and function are either unavailable or do not agree on the potential impact of this missense change (SIFT: "Not Available"; PolyPhen-2: "Probably Damaging"; Align-GVGD: "Not Available"). In summary, the available evidence is currently insufficient to determine the role of this variant in disease. Therefore, it has been classified as a Variant of Uncertain Significance.

NM_004618.5(TOP3A):c.2474G>A (p.Arg825His)

Gene: TOP3A (DNA topoisomerase III alpha; minus strand). Cytogenetic location: 17p11.2.
Variant type: single nucleotide variant.
Coding change: c.2474G>A on transcript NM_004618.5 (MANE Select); coding-DNA position 2474, G replaced by A.
Protein change: p.Arg825His; replaces arginine 825 with histidine.
Molecular consequence: missense variant.
Genome position (GRCh38, 1-based): chr17:18,278,028, C>T on the plus strand (G>A on the coding strand, the complement: TOP3A is on the minus strand). VCF-style: chr17-18278028-C-T. GRCh37 (hg19) VCF-style: chr17-18181342-C-T.
Other names: c.2189G>A, p.Arg730His (NM_001320759.2); short protein forms R730H, R825H.
Identifiers: ClinVar variation 2146945 (VCV002146945.1), dbSNP rs368431834, ClinGen allele CA8429594.
Genomic context (GRCh38, chr17:18,278,028, plus strand): 5'-AAGTTGCAGCTACCTCCGTTGCACTTAAAGAACTGCCGGCCCCGGTTGGGGCCCTCCTTA[C>T]GGACAGTGAGCAGCACAGCCTCCTGGCCACAGTTGCAGGTCACAGAATTGCTTTCACCAG-3'
Protein context (NP_004609.1, residues 815-835): CGQEAVLLTV[Arg825His]KEGPNRGRQF